The following is an entry in ClinVar:

ClinVar aggregate classification (germline): Uncertain significance (1 of 4 stars; one submission).

Submission:

Ambry Genetics
Classification: Uncertain significance. Last evaluated: 2025-03-05. Review status: criteria provided, single submitter. Criteria: Ambry Variant Classification Scheme 2023. Collection method: clinical testing. Allele origin: germline.
Comment: The p.A141V variant (also known as c.422C>T), located in coding exon 1 of the PALLD gene, results from a C to T substitution at nucleotide position 422. The alanine at codon 141 is replaced by valine, an amino acid with similar properties. This amino acid position is conserved. In addition, this alteration is predicted to be tolerated by in silico analysis. Based on the available evidence, the clinical significance of this variant remains unclear.

NM_001166108.2(PALLD):c.1965-12609C>T

Gene: PALLD (palladin, cytoskeletal associated protein; plus strand). Cytogenetic location: 4q32.3.
Variant type: single nucleotide variant.
Coding change: c.1965-12609C>T on transcript NM_001166108.2 (MANE Select); 12609 bases into the intron before coding-DNA position 1965, C replaced by T.
Molecular consequence: intron variant. On other transcripts: missense variant (1).
Genome position (GRCh38, 1-based): chr4:168,878,313, C>T. VCF-style: chr4-168878313-C-T. GRCh37 (hg19) VCF-style: chr4-169799464-C-T.
Other names: c.422C>T, p.Ala141Val (NM_001166110.2); c.1965-12609C>T (NM_016081.4); c.819-12609C>T (NM_001166109.2); c.-157-12609C>T (NM_001367570.1, NM_001367568.1, NM_001367567.1 and 1 more transcripts); short protein forms A141V.
Identifiers: ClinVar variation 3885261 (VCV003885261.1).